The following is an entry in ClinVar:

ClinVar aggregate classification (germline): Benign (1 of 4 stars; one submission).

Conditions:
Hereditary diffuse gastric adenocarcinoma (HDGC). Also called: DIFFUSE GASTRIC AND LOBULAR BREAST CANCER SYNDROME. Identifiers: Orphanet 26106, MedGen C1708349, MONDO:0007648, OMIM 137215.

Submission:

Myriad Genetics, Inc.
Classification: Benign for Hereditary diffuse gastric adenocarcinoma. Last evaluated: 2024-10-10. Review status: criteria provided, single submitter. Criteria: Myriad Autosomal Dominant, Autosomal Recessive and X-Linked Classification Criteria (2023). Collection method: clinical testing. Allele origin: unknown.
Comment: This variant is considered benign. This variant is a silent/synonymous amino acid change and it is not expected to impact splicing.

NM_001903.5(CTNNA1):c.876C>T (p.Asp292=)

Gene: CTNNA1 (catenin alpha 1; plus strand). Cytogenetic location: 5q31.2.
Variant type: single nucleotide variant.
Coding change: c.876C>T on transcript NM_001903.5 (MANE Select); coding-DNA position 876, C replaced by T.
Protein change: p.Asp292=; no amino-acid change (aspartic acid 292 retained).
Molecular consequence: synonymous variant.
Genome position (GRCh38, 1-based): chr5:138,827,532, C>T. VCF-style: chr5-138827532-C-T. GRCh37 (hg19) VCF-style: chr5-138163221-C-T.
Other names: c.876C>T, p.Asp292= (NM_001323986.2, NM_001290307.3, NM_001323982.2 and 3 more transcripts); c.567C>T, p.Asp189= (NM_001290309.3); c.507C>T, p.Asp169= (NM_001290310.3).
Identifiers: ClinVar variation 3773484 (VCV003773484.1).
Genomic context (GRCh38, chr5:138,827,532, plus strand): 5'-GAACAGAGATGAGTACTAACATTCGGTAATACTTTCTCTGCAGAAACAAATCATTGTGGA[C>T]CCCTTGAGCTTCAGCGAGGAGCGCTTTAGGCCTTCCCTGGAGGAGCGTCTGGAAAGCATC-3'
Protein context (NP_001894.2, residues 282-302): LNNFDKQIIV[Asp292=]PLSFSEERFR